The following is an entry in ClinVar:

NM_000138.5(FBN1):c.4460-1G>T

Gene: FBN1 (fibrillin 1; minus strand). Cytogenetic location: 15q21.1.
Variant type: single nucleotide variant.
Coding change: c.4460-1G>T on transcript NM_000138.5 (MANE Select); the canonical splice acceptor site of the intron before coding-DNA position 4460, G replaced by T.
Molecular consequence: splice acceptor variant.
Genome position (GRCh38, 1-based): chr15:48,468,535, C>A on the plus strand (G>T on the coding strand, the complement: FBN1 is on the minus strand). VCF-style: chr15-48468535-C-A. GRCh37 (hg19) VCF-style: chr15-48760732-C-A.
Other names: c.4460-1G>T (NM_001406716.1).
Identifiers: ClinVar variation 2925555 (VCV002925555.3), dbSNP rs113082854, ClinGen allele CA392353836.

ClinVar aggregate classification (germline): Pathogenic (1 of 4 stars; one submission).

Conditions:
Marfan syndrome (MFS). Also called: MARFAN SYNDROME, TYPE I; Marfan syndrome type 1; Marfan's syndrome; Marfan syndrome, classic; FBN1-Related Marfan Syndrome. Identifiers: Orphanet 284963, Orphanet 558, MedGen C0024796, MONDO:0007947, OMIM 154700.
Familial thoracic aortic aneurysm and aortic dissection (TAAD). Also called: Thoracic aortic aneurysms and dissections. Identifiers: Orphanet 91387, MedGen C4707243, MONDO:0019625.

Submission:

Labcorp Genetics (formerly Invitae), Labcorp
Classification: Pathogenic for Marfan syndrome; Familial thoracic aortic aneurysm and aortic dissection. Last evaluated: 2023-12-30. Review status: criteria provided, single submitter. Criteria: Invitae Variant Classification Sherloc (09022015). Collection method: clinical testing. Allele origin: germline.
Comment: This sequence change affects an acceptor splice site in intron 36 of the FBN1 gene. It is expected to disrupt RNA splicing. Variants that disrupt the donor or acceptor splice site typically lead to a loss of protein function (PMID: 16199547), and loss-of-function variants in FBN1 are known to be pathogenic (PMID: 17657824, 19293843). This variant is not present in population databases (gnomAD no frequency). Disruption of this splice site has been observed in individual(s) with Marfan syndrome (PMID: 19293843, 35058154). In at least one individual the variant was observed to be de novo. Algorithms developed to predict the effect of sequence changes on RNA splicing suggest that this variant may disrupt the consensus splice site. For these reasons, this variant has been classified as Pathogenic.

Literature cited by the submitters: PubMed 16199547; PubMed 17657824; PubMed 19293843; PubMed 35058154.